The following is an entry in ClinVar:

NM_020433.5(JPH2):c.782C>T (p.Ala261Val)

Gene: JPH2 (junctophilin 2; minus strand). Cytogenetic location: 20q13.12.
Variant type: single nucleotide variant.
Coding change: c.782C>T on transcript NM_020433.5 (MANE Select); coding-DNA position 782, C replaced by T.
Protein change: p.Ala261Val; replaces alanine 261 with valine.
Molecular consequence: missense variant.
Genome position (GRCh38, 1-based): chr20:44,160,005, G>A on the plus strand (C>T on the coding strand, the complement: JPH2 is on the minus strand). VCF-style: chr20-44160005-G-A. GRCh37 (hg19) VCF-style: chr20-42788645-G-A.
Other names: short protein forms A261V.
Identifiers: ClinVar variation 944443 (VCV000944443.9), dbSNP rs2072597044, ClinGen allele CA409093679.

ClinVar aggregate classification (germline): Uncertain significance (1 of 4 stars; one submission).

Conditions:
Hypertrophic cardiomyopathy. Also called: HYPERTROPHIC MYOCARDIOPATHY. Identifiers: Orphanet 217569, MedGen C0007194, MeSH D002312, MONDO:0005045, HP:0001639.

Allele frequency attached by ClinVar (database versions not stated): gnomAD exomes below 0.00001; gnomAD 0.00001.
gnomAD v4.1: 2 of 1,577,464 alleles (0.00013%); highest among the groups gnomAD compares: Admixed American, 0.0018%; no homozygotes.

Submission:

Labcorp Genetics (formerly Invitae), Labcorp
Classification: Uncertain significance for Hypertrophic cardiomyopathy. Last evaluated: 2019-06-20. Review status: criteria provided, single submitter. Criteria: Invitae Variant Classification Sherloc (09022015). Collection method: clinical testing. Allele origin: germline.
Comment: This sequence change replaces alanine with valine at codon 261 of the JPH2 protein (p.Ala261Val). The alanine residue is weakly conserved and there is a small physicochemical difference between alanine and valine. In summary, the available evidence is currently insufficient to determine the role of this variant in disease. Therefore, it has been classified as a Variant of Uncertain Significance. Algorithms developed to predict the effect of missense changes on protein structure and function are either unavailable or do not agree on the potential impact of this missense change (SIFT: "Deleterious"; PolyPhen-2: "Benign"; Align-GVGD: "Class C0"). This variant has not been reported in the literature in individuals with JPH2-related conditions. This variant is not present in population databases (ExAC no frequency).